The following is an entry in ClinVar:

ClinVar aggregate classification (germline): Uncertain significance (1 of 4 stars; one submission).

Conditions:
Fanconi anemia (FA). Also called: Fanconi's anemia. Identifiers: Orphanet 84, MedGen C0015625, MeSH D005199, MONDO:0019391.

Submission:

Labcorp Genetics (formerly Invitae), Labcorp
Classification: Uncertain significance for Fanconi anemia. Last evaluated: 2025-01-23. Review status: criteria provided, single submitter. Criteria: Invitae Variant Classification Sherloc (09022015). Collection method: clinical testing. Allele origin: germline.
Comment: This sequence change replaces phenylalanine, which is neutral and non-polar, with leucine, which is neutral and non-polar, at codon 1285 of the FANCA protein (p.Phe1285Leu). This variant is not present in population databases (gnomAD no frequency). This variant has not been reported in the literature in individuals affected with FANCA-related conditions. ClinVar contains an entry for this variant (Variation ID: 1953462). Invitae Evidence Modeling of protein sequence and biophysical properties (such as structural, functional, and spatial information, amino acid conservation, physicochemical variation, residue mobility, and thermodynamic stability) indicates that this missense variant is not expected to disrupt FANCA protein function with a negative predictive value of 95%. In summary, the available evidence is currently insufficient to determine the role of this variant in disease. Therefore, it has been classified as a Variant of Uncertain Significance.

NM_000135.4(FANCA):c.3855C>A (p.Phe1285Leu)

Genes: FANCA (FA complementation group A; minus strand), ZNF276 (zinc finger protein 276; plus strand). Cytogenetic location: 16q24.3.
Variant type: single nucleotide variant.
Coding change: c.3855C>A on transcript NM_000135.4 (MANE Select); coding-DNA position 3855, C replaced by A.
Protein change: p.Phe1285Leu; replaces phenylalanine 1285 with leucine.
Molecular consequence: missense variant. On other transcripts: 3 prime UTR variant (2), non-coding transcript variant (4).
Genome position (GRCh38, 1-based): chr16:89,740,073, G>T on the plus strand (C>A on the coding strand, the complement: FANCA is on the minus strand). VCF-style: chr16-89740073-G-T. GRCh37 (hg19) VCF-style: chr16-89806481-G-T.
Other names: c.3855C>A, p.Phe1285Leu (NM_001286167.3); c.*1827G>T (NM_001113525.2, NM_152287.4); short protein forms F1285L.
Identifiers: ClinVar variation 1953462 (VCV001953462.5), dbSNP rs2062090012, ClinGen allele CA397485063.